The following is an entry in ClinVar:

ClinVar aggregate classification (germline): Likely benign (1 of 4 stars; one submission).

Conditions:
INVS-related disorder. Also called: INVS-related condition.

gnomAD v4.1: 2 of 1,614,154 alleles (0.00012%); highest among the groups gnomAD compares: Non-Finnish European, 0.00017%; no homozygotes.

Submission:

PreventionGenetics, part of Exact Sciences
Classification: Likely benign for INVS-related condition. Last evaluated: 2025-08-19. Review status: criteria provided, single submitter. Criteria: ACMG Guidelines, 2015. Collection method: clinical testing. Allele origin: germline.
Comment: This variant is classified as likely benign based on ACMG/AMP sequence variant interpretation guidelines (Richards et al. 2015 PMID: 25741868, with internal and published modifications).

NM_014425.5(INVS):c.2328C>T (p.Pro776=)

Gene: INVS (inversin; plus strand). Cytogenetic location: 9q31.1.
Variant type: single nucleotide variant.
Coding change: c.2328C>T on transcript NM_014425.5 (MANE Select); coding-DNA position 2328, C replaced by T.
Protein change: p.Pro776=; no amino-acid change (proline 776 retained).
Molecular consequence: synonymous variant. On other transcripts: non-coding transcript variant (1).
Genome position (GRCh38, 1-based): chr9:100,292,585, C>T. VCF-style: chr9-100292585-C-T. GRCh37 (hg19) VCF-style: chr9-103054867-C-T.
Other names: c.2040C>T, p.Pro680= (NM_001318381.2); c.1350C>T, p.Pro450= (NM_001318382.2).
Identifiers: ClinVar variation 4991075 (VCV004991075.1).